The following is an entry in ClinVar:

ClinVar aggregate classification (germline): Uncertain significance (1 of 4 stars; one submission).

Conditions:
Inborn genetic diseases. Identifiers: MedGen C0950123, MeSH D030342.

gnomAD v4.1: 2 of 1,524,468 alleles (0.00013%); highest among the groups gnomAD compares: Non-Finnish European, 0.00017%; no homozygotes.

Submission:

Ambry Genetics
Classification: Uncertain significance for Inborn genetic diseases. Last evaluated: 2026-03-11. Review status: criteria provided, single submitter. Criteria: Ambry Variant Classification Scheme 2023. Collection method: clinical testing. Allele origin: germline.
Comment: The p.Q13P variant (also known as c.38A>C), located in coding exon 1 of the FANCA gene, results from an A to C substitution at nucleotide position 38. The glutamine at codon 13 is replaced by proline, an amino acid with similar properties. This amino acid position is conserved. In addition, this alteration is predicted to be tolerated by in silico analysis. Based on the available evidence, the clinical significance of this variant remains unclear.

NM_000135.4(FANCA):c.38A>C (p.Gln13Pro)

Genes: FANCA (FA complementation group A; minus strand), LOC112486223 (Sharpr-MPRA regulatory region 3988; plus strand). Cytogenetic location: 16q24.3.
Variant type: single nucleotide variant.
Coding change: c.38A>C on transcript NM_000135.4 (MANE Select); coding-DNA position 38, A replaced by C.
Protein change: p.Gln13Pro; replaces glutamine 13 with proline.
Molecular consequence: missense variant.
Genome position (GRCh38, 1-based): chr16:89,816,578, T>G on the plus strand (A>C on the coding strand, the complement: FANCA is on the minus strand). VCF-style: chr16-89816578-T-G. GRCh37 (hg19) VCF-style: chr16-89882986-T-G.
Other names: c.38A>C, p.Gln13Pro (NM_001018112.3, NM_001286167.3, NM_001351830.2); short protein forms Q13P.
Identifiers: ClinVar variation 4826925 (VCV004826925.1).